The following is an entry in ClinVar:

NM_001080477.4(TENM3):c.1130C>T (p.Thr377Met)

Gene: TENM3 (teneurin transmembrane protein 3; plus strand). Cytogenetic location: 4q35.1.
Variant type: single nucleotide variant.
Coding change: c.1130C>T on transcript NM_001080477.4 (MANE Select); coding-DNA position 1130, C replaced by T.
Protein change: p.Thr377Met; replaces threonine 377 with methionine.
Molecular consequence: missense variant.
Genome position (GRCh38, 1-based): chr4:182,673,023, C>T. VCF-style: chr4-182673023-C-T. GRCh37 (hg19) VCF-style: chr4-183594176-C-T.
Other names: c.314C>T, p.Thr105Met (NM_001415960.1, NM_001415961.1, NM_001415962.1 and 2 more transcripts); c.851C>T, p.Thr284Met (NM_001415966.1, NM_001415967.1, NM_001415976.1 and 1 more transcripts); c.1130C>T, p.Thr377Met (NM_001415968.1, NM_001415969.1, NM_001415970.1 and 4 more transcripts); short protein forms T105M, T377M, T284M.
Identifiers: ClinVar variation 2463600 (VCV002463600.5), dbSNP rs761249047, ClinGen allele CA3147609.

ClinVar aggregate classification (germline): Uncertain significance. Review status: criteria provided, multiple submitters, no conflicts (2 of 4 stars). 2 submissions from 2 submitters: Uncertain significance (2). Last evaluated 2025-10-29.

Conditions:
Inborn genetic diseases. Identifiers: MedGen C0950123, MeSH D030342.

Allele frequency attached by ClinVar (database versions not stated): gnomAD 0.00002; TOPMed 0.00002; gnomAD exomes 0.00001.
gnomAD v4.1: 18 of 1,587,856 alleles (0.0011%); highest among the groups gnomAD compares: African/African-American, 0.004%; no homozygotes.

Submissions (2):

Dasa
Classification: Uncertain significance. Last evaluated: 2025-10-29. Review status: criteria provided, single submitter. Criteria: DASA Assertion Criteria. Collection method: clinical testing. Allele origin: germline.
Comment: NM_001080477.4(TENM3):c.1130C>T (p.Thr377Met) is a missense variant that results in the substitution of threonine with methionine. This variant is rare in population databases. Computational prediction algorithms are consistent with a benign effect. The currently available literature and clinical evidence are not sufficient to establish a definitive association between this variant and the reported condition. Therefore, this variant is classified as a variant of uncertain significance.

Ambry Genetics
Classification: Uncertain significance for Inborn genetic diseases. Last evaluated: 2025-08-31. Review status: criteria provided, single submitter. Criteria: Ambry Variant Classification Scheme 2023. Collection method: clinical testing. Allele origin: germline.